The following is an entry in ClinVar:

NM_033400.3(ZFHX2):c.6380G>T (p.Gly2127Val)

Genes: THTPA (thiamine triphosphatase; plus strand), ZFHX2 (zinc finger homeobox 2; minus strand). Cytogenetic location: 14q11.2.
Variant type: single nucleotide variant.
Coding change: c.6380G>T on transcript NM_033400.3 (MANE Select); coding-DNA position 6380, G replaced by T.
Protein change: p.Gly2127Val; replaces glycine 2127 with valine.
Molecular consequence: missense variant.
Genome position (GRCh38, 1-based): chr14:23,523,562, C>A on the plus strand (G>T on the coding strand, the complement: ZFHX2 is on the minus strand). VCF-style: chr14-23523562-C-A. GRCh37 (hg19) VCF-style: chr14-23992771-C-A.
Other names: short protein forms G2127V.
Identifiers: ClinVar variation 3778493 (VCV003778493.7).

ClinVar aggregate classification (germline): Uncertain significance (1 of 4 stars; one submission).

Submission:

CeGaT Center for Human Genetics Tuebingen
Classification: Uncertain significance. Last evaluated: 2025-03-01. Review status: criteria provided, single submitter. Criteria: CeGaT Center For Human Genetics Tuebingen Variant Classification Criteria Version 2. Collection method: clinical testing. Allele origin: germline. Affected: yes. Observed: 1 variant allele.
Comment: ZFHX2: PM2, BP4